The following is an entry in ClinVar:

NM_001363711.2(DUOX2):c.2183C>A (p.Ala728Asp)

Gene: DUOX2 (dual oxidase 2; minus strand). Cytogenetic location: 15q21.1.
Variant type: single nucleotide variant.
Coding change: c.2183C>A on transcript NM_001363711.2 (MANE Select); coding-DNA position 2183, C replaced by A.
Protein change: p.Ala728Asp; replaces alanine 728 with aspartic acid.
Molecular consequence: missense variant.
Genome position (GRCh38, 1-based): chr15:45,105,794, G>T on the plus strand (C>A on the coding strand, the complement: DUOX2 is on the minus strand). VCF-style: chr15-45105794-G-T. GRCh37 (hg19) VCF-style: chr15-45397992-G-T.
Other names: c.2183C>A, p.Ala728Asp (NM_014080.5); short protein forms A728D.
Identifiers: ClinVar variation 1381340 (VCV001381340.8), dbSNP rs1847411415, ClinGen allele CA392271167.

ClinVar aggregate classification (germline): Uncertain significance (1 of 4 stars; one submission).

Submission:

Labcorp Genetics (formerly Invitae), Labcorp
Classification: Uncertain significance. Last evaluated: 2025-11-24. Review status: criteria provided, single submitter. Criteria: Invitae Variant Classification Sherloc (09022015). Collection method: clinical testing. Allele origin: germline.
Comment: This sequence change replaces alanine, which is neutral and non-polar, with aspartic acid, which is acidic and polar, at codon 728 of the DUOX2 protein (p.Ala728Asp). This variant is not present in population databases (gnomAD no frequency). This variant has not been reported in the literature in individuals affected with DUOX2-related conditions. ClinVar contains an entry for this variant (Variation ID: 1381340). Invitae Evidence Modeling of protein sequence and biophysical properties (such as structural, functional, and spatial information, amino acid conservation, physicochemical variation, residue mobility, and thermodynamic stability) indicates that this missense variant is not expected to disrupt DUOX2 protein function with a negative predictive value of 80%. In summary, the available evidence is currently insufficient to determine the role of this variant in disease. Therefore, it has been classified as a Variant of Uncertain Significance.